The following is an entry in ClinVar:

ClinVar aggregate classification (germline): Uncertain significance (1 of 4 stars; one submission).

Allele frequency attached by ClinVar (database versions not stated): gnomAD 0.00001; TOPMed 0.00002.

Submission:

GeneDx
Classification: Uncertain significance. Last evaluated: 2022-03-30. Review status: criteria provided, single submitter. Criteria: GeneDx Variant Classification Process June 2021. Collection method: clinical testing. Allele origin: germline. Affected: yes.
Comment: Not observed at significant frequency in large population cohorts (gnomAD); In silico analysis supports that this missense variant does not alter protein structure/function; Has not been previously published as pathogenic or benign to our knowledge

NM_005027.4(PIK3R2):c.2183G>T (p.Arg728Leu)

Gene: PIK3R2 (phosphoinositide-3-kinase regulatory subunit 2; plus strand). Cytogenetic location: 19p13.11.
Variant type: single nucleotide variant.
Coding change: c.2183G>T on transcript NM_005027.4 (MANE Select); coding-DNA position 2183, G replaced by T.
Protein change: p.Arg728Leu; replaces arginine 728 with leucine.
Molecular consequence: missense variant. On other transcripts: non-coding transcript variant (2).
Genome position (GRCh38, 1-based): chr19:18,169,290, G>T. VCF-style: chr19-18169290-G-T. GRCh37 (hg19) VCF-style: chr19-18280100-G-T.
Other names: short protein forms R728L.
Identifiers: ClinVar variation 1707972 (VCV001707972.2), dbSNP rs917457445, ClinGen allele CA306177735.
Genomic context (GRCh38, chr19:18,169,290, plus strand): 5'-TCACCGTCACCCTGGCGCACCCAGTGCGCGCCCCGGGCCCCGGCCCGCCGCCTGCCGCCC[G>T]CTGAGCACCGAGGACCCGCCCCAAGCAGAGCCGCCCCTGGGCCCGTCTGCGCCGGAGGCT-3'
Protein context (NP_005018.2, residues 718-728): APGPGPPPAA[Arg728Leu]